The following is an entry in ClinVar:

NM_004646.4(NPHS1):c.2387del (p.Gly796fs)

Gene: NPHS1 (NPHS1 adhesion molecule, nephrin; minus strand). Cytogenetic location: 19q13.12.
Variant type: Deletion.
Coding change: c.2387del on transcript NM_004646.4 (MANE Select); coding-DNA position 2387, one base deleted (G; older notation c.2387delG).
Protein change: p.Gly796fs; shifts the reading frame from glycine 796.
Molecular consequence: frameshift variant.
Genome position (GRCh38, 1-based): chr19:35,842,498, C deleted on the plus strand (G on the coding strand, the reverse complement: NPHS1 is on the minus strand); the first of 4 consecutive C bases (chr19:35,842,498-35,842,501); deleting any one gives the same sequence. VCF-style (leftmost placement, unchanged base first): chr19-35842497-TC-T. GRCh37 (hg19) VCF-style: chr19-36333399-TC-T.
Other names: short protein forms G796fs.
Identifiers: ClinVar variation 1072278 (VCV001072278.9), dbSNP rs1568453378, ClinGen allele CA633061232.

ClinVar aggregate classification (germline): Pathogenic/Likely pathogenic. Review status: criteria provided, multiple submitters, no conflicts (2 of 4 stars). 3 submissions from 3 submitters: Pathogenic (1); Likely pathogenic (2). Last evaluated 2024-03-06.

Conditions:
Finnish congenital nephrotic syndrome (NPHS1). Also called: NEPHROTIC SYNDROME, TYPE 1. Identifiers: Orphanet 839, MedGen C0403399, MONDO:0009732, OMIM 256300.

Submissions (3):

Fulgent Genetics
Classification: Likely pathogenic for Finnish congenital nephrotic syndrome. Last evaluated: 2024-03-06. Review status: criteria provided, single submitter. Criteria: ACMG Guidelines, 2015. Collection method: clinical testing. Allele origin: germline.

Labcorp Genetics (formerly Invitae), Labcorp
Classification: Pathogenic. Last evaluated: 2023-10-24. Review status: criteria provided, single submitter. Criteria: Invitae Variant Classification Sherloc (09022015). Collection method: clinical testing. Allele origin: germline.
Comment: This sequence change creates a premature translational stop signal (p.Gly796Aspfs*51) in the NPHS1 gene. It is expected to result in an absent or disrupted protein product. Loss-of-function variants in NPHS1 are known to be pathogenic (PMID: 11317351, 11854170, 12039988). This variant is present in population databases (no rsID available, gnomAD 0.01%). This variant has not been reported in the literature in individuals affected with NPHS1-related conditions. ClinVar contains an entry for this variant (Variation ID: 1072278). For these reasons, this variant has been classified as Pathogenic.

Women's Health and Genetics/Laboratory Corporation of America, LabCorp
Classification: Likely pathogenic for Finnish congenital nephrotic syndrome. Last evaluated: 2022-09-04. Review status: criteria provided, single submitter. Criteria: LabCorp Variant Classification Summary - May 2015. Collection method: clinical testing. Allele origin: germline.
Comment: Variant summary: NPHS1 c.2387delG (p.Gly796AspfsX51) results in a premature termination codon, predicted to cause a truncation of the encoded protein or absence of the protein due to nonsense mediated decay, which are commonly known mechanisms for disease. Truncations downstream of this position have been classified as pathogenic by our laboratory. The variant was absent in 251466 control chromosomes. To our knowledge, no occurrence of c.2387delG in individuals affected with Nephrotic Syndrome, Type 1 and no experimental evidence demonstrating its impact on protein function have been reported. One clinical diagnostic laboratory has submitted clinical-significance assessments for this variant to ClinVar after 2014 without evidence for independent evaluation and classified the variant as pathogenic. Based on the evidence outlined above, the variant was classified as likely pathogenic.

Literature cited by the submitters: PubMed 11317351 (cited by Labcorp Genetics (formerly Invitae), Labcorp); PubMed 11854170 (cited by Labcorp Genetics (formerly Invitae), Labcorp); PubMed 12039988 (cited by Labcorp Genetics (formerly Invitae), Labcorp).